The following is an entry in ClinVar:

ClinVar aggregate classification (germline): Conflicting classifications of pathogenicity. Review status: criteria provided, conflicting classifications (1 of 4 stars). 8 submissions from 7 submitters: Uncertain significance (1); Benign (6). 1 of the submissions does not count toward it. Last evaluated 2026-02-02.

Conditions:
Usher syndrome type 1 (USH1). Also called: RETINITIS PIGMENTOSA AND CONGENITAL DEAFNESS. Identifiers: Orphanet 231169, Orphanet 886, MedGen C1568247, MONDO:0010168, OMIM 276900.
Autosomal recessive nonsyndromic hearing loss 12. Also called: DEAFNESS, AUTOSOMAL RECESSIVE 12. Identifiers: Orphanet 90636, MedGen C1832394, MONDO:0011067, OMIM 601386.
Usher syndrome type 1D (USH1D). Also called: USHER SYNDROME, TYPE ID. Identifiers: Orphanet 231169, Orphanet 886, MedGen C1832845, MONDO:0010984, OMIM 601067.

Allele frequency attached by ClinVar (database versions not stated): gnomAD 0.01431 and 0.01354; ESP Exome Variant Server 0.01486; gnomAD exomes 0.00137 and 0.00358; 1000 Genomes Project 0.01438; 1000 Genomes Project 30x 0.01593; ExAC 0.00425; TOPMed 0.01528.
gnomAD v4.1: 4,135 of 1,613,920 alleles (0.26%); highest among the groups gnomAD compares: African/African-American, 5%; 97 homozygotes.

Submissions (8):

Labcorp Genetics (formerly Invitae), Labcorp
Classification: Benign. Last evaluated: 2026-02-02. Review status: criteria provided, single submitter. Criteria: Invitae Variant Classification Sherloc (09022015). Collection method: clinical testing. Allele origin: germline.

Mayo Clinic Laboratories, Mayo Clinic
Classification: Benign. Last evaluated: 2025-03-24. Review status: criteria provided, single submitter. Criteria: ACMG Guidelines, 2015. Collection method: clinical testing. Allele origin: germline. Observed: 1 variant allele.
Comment: BA1, BS2

Athena Diagnostics
Classification: Benign. Last evaluated: 2018-11-12. Review status: criteria provided, single submitter. Criteria: Athena Diagnostics Criteria. Collection method: clinical testing. Allele origin: germline.

Illumina Laboratory Services, Illumina
Classification: Benign for Usher syndrome type 1D. Last evaluated: 2017-04-27. Review status: criteria provided, single submitter. Criteria: ICSL Variant Classification Criteria 13 December 2019. Collection method: clinical testing. Allele origin: germline.
Comment: This variant was observed as part of a predisposition screen in an ostensibly healthy population. A literature search was performed for the gene, cDNA change, and amino acid change (where applicable). No publications were found based on this search. Allele frequency data from public databases was too high to be consistent with this variant causing disease. Therefore, this variant is classified as benign.

Illumina Laboratory Services, Illumina
Classification: Uncertain significance for Autosomal recessive nonsyndromic hearing loss 12. Last evaluated: 2017-04-27. Review status: criteria provided, single submitter. Criteria: ICSL Variant Classification Criteria 13 December 2019. Collection method: clinical testing. Allele origin: germline.

GeneDx
Classification: Benign. Last evaluated: 2013-04-04. Review status: criteria provided, single submitter. Criteria: GeneDx Variant Classification (06012015). Collection method: clinical testing. Allele origin: germline. Affected: yes.
Comment: This variant is considered likely benign or benign based on one or more of the following criteria: it is a conservative change, it occurs at a poorly conserved position in the protein, it is predicted to be benign by multiple in silico algorithms, and/or has population frequency not consistent with disease.

Laboratory for Molecular Medicine, Mass General Brigham Personalized Medicine
Classification: Benign. Last evaluated: 2011-12-16. Review status: criteria provided, single submitter. Criteria: LMM Criteria. Collection method: clinical testing. Allele origin: germline. Observed: 16 variant alleles.
Comment: Val1207Met in Exon 31 of CDH23: This variant is not expected to have clinical si gnificance because it has been identified in 183/40364 (4.5%) of African America n chromosomes by the NHLBI Exome Sequencing Project (u/EVS/; dbSNP rs111033488)

Natera, Inc.
Classification: Benign for Usher syndrome type 1. Last evaluated: 2020-09-16. Review status: no assertion criteria provided. Collection method: clinical testing. Allele origin: germline. Not counted in ClinVar's aggregate classification.

NM_022124.6(CDH23):c.3619G>A (p.Val1207Met)

Genes: C10orf105 (chromosome 10 open reading frame 105; minus strand), CDH23 (cadherin related 23; plus strand). Cytogenetic location: 10q22.1.
Variant type: single nucleotide variant.
Coding change: c.3619G>A on transcript NM_022124.6 (MANE Select); coding-DNA position 3619, G replaced by A.
Protein change: p.Val1207Met; replaces valine 1207 with methionine.
Molecular consequence: missense variant. On other transcripts: intron variant (1).
Genome position (GRCh38, 1-based): chr10:71,730,508, G>A. VCF-style: chr10-71730508-G-A. GRCh37 (hg19) VCF-style: chr10-73490265-G-A.
Other names: p.V1207M:GTG>ATG; c.3619G>A, p.Val1207Met (NM_001171930.2); c.-6+7220C>T (NM_001168390.2); short protein forms V1207M.
Identifiers: ClinVar variation 45925 (VCV000045925.21), dbSNP rs111033488, ClinGen allele CA137385.
Genomic context (GRCh38, chr10:71,730,508, plus strand): 5'-CCCCTGGCCCGGCTCCCACAGGTGATTGTGTACGTGGAGGACATCAACGATGAGGCCCCC[G>A]TGTTCACACAGCAGCAGTACAGCCGTCTGGGGCTTCGAGAGACCGCAGGCATTGGAACGT-3'
Protein context (NP_071407.4, residues 1197-1217): YVEDINDEAP[Val1207Met]FTQQQYSRLG